The following is an entry in ClinVar:

ClinVar aggregate classification (germline): Pathogenic (1 of 4 stars; one submission).

Conditions:
Fetal anomalies with a likely genetic cause.

Submission:

Genetics Laboratory, Great Ormond Street Hospital NHS Foundation Trust, North Thames Genomic Laboratory Hub
Classification: Pathogenic for Fetal anomalies with a likely genetic cause. Last evaluated: 2026-03-09. Review status: criteria provided, single submitter. Criteria: ACGS Best Practice Guidelines for Variant Classification in Rare Disease 2024 v1.2. Collection method: clinical testing. Allele origin: germline. Affected: yes.
Comment: PM2_moderate, PVS1_very-strong

NM_015311.3(OBSL1):c.4050_4053del (p.Phe1350fs)

Gene: OBSL1 (obscurin like cytoskeletal adaptor 1; minus strand). Cytogenetic location: 2q35.
Variant type: Deletion.
Coding change: c.4050_4053del on transcript NM_015311.3 (MANE Select); coding-DNA positions 4050 to 4053, 4 bases deleted (CCTT; older notation c.4050_4053delCCTT).
Protein change: p.Phe1350fs; shifts the reading frame from phenylalanine 1350.
Molecular consequence: frameshift variant.
Genome position (GRCh38, 1-based): chr2:219,557,356-219,557,359, AAGG deleted on the plus strand (CCTT on the coding strand, the reverse complement: OBSL1 is on the minus strand); deleting any 4 consecutive bases within chr2:219,557,356-219,557,362 gives the same sequence; the c. name uses the placement nearest the transcript's 3' end. VCF-style (leftmost placement, unchanged base first): chr2-219557355-CAAGG-C. GRCh37 (hg19) VCF-style: chr2-220422077-CAAGG-C.
Other names: c.4050_4053del, p.Phe1350fs (NM_001173431.2); short protein forms F1350fs.
Identifiers: ClinVar variation 4850070 (VCV004850070.1).
Genomic context (GRCh38, chr2:219,557,355, plus strand): 5'-GGTCCTTGGGGTGCCACAGCCCACAGGGTGTGAGGGGTACACTGTTACCTTCCACGCTGA[CAAGG>C]AAGATGCGGCTGTCCTGGGGCGCATCGCACAGGTACTCCCCAGCGTCCCCGCTCCGTGCC-3'